The following is an entry in ClinVar:

ClinVar aggregate classification (germline): Uncertain significance. Review status: criteria provided, multiple submitters, no conflicts (2 of 4 stars). 2 submissions from 2 submitters: Uncertain significance (2). Last evaluated 2025-12-02.

Conditions:
Inborn genetic diseases. Identifiers: MedGen C0950123, MeSH D030342.

Submissions (2):

Ambry Genetics
Classification: Uncertain significance for Inborn genetic diseases. Last evaluated: 2025-12-02. Review status: criteria provided, single submitter. Criteria: Ambry Variant Classification Scheme 2023. Collection method: clinical testing. Allele origin: germline.

GeneDx
Classification: Uncertain significance. Last evaluated: 2023-03-04. Review status: criteria provided, single submitter. Criteria: GeneDx Variant Classification Process June 2021. Collection method: clinical testing. Allele origin: germline. Affected: yes.
Comment: Not observed at significant frequency in large population cohorts (gnomAD); In silico analysis supports that this missense variant has a deleterious effect on protein structure/function; Has not been previously published as pathogenic or benign to our knowledge

NM_003070.5(SMARCA2):c.910G>T (p.Gly304Trp)

Gene: SMARCA2 (SWI/SNF related BAF chromatin remodeling complex subunit ATPase 2; plus strand). Cytogenetic location: 9p24.3.
Variant type: single nucleotide variant.
Coding change: c.910G>T on transcript NM_003070.5 (MANE Select); coding-DNA position 910, G replaced by T.
Protein change: p.Gly304Trp; replaces glycine 304 with tryptophan.
Molecular consequence: missense variant.
Genome position (GRCh38, 1-based): chr9:2,047,348, G>T. VCF-style: chr9-2047348-G-T. GRCh37 (hg19) VCF-style: chr9-2047348-G-T.
Other names: c.910G>T, p.Gly304Trp (NM_001289397.2, NM_139045.4, NM_001289396.2); short protein forms G304W.
Identifiers: ClinVar variation 2578182 (VCV002578182.2), dbSNP rs2537243618, ClinGen allele CA372780931.